The following is an entry in ClinVar:

ClinVar aggregate classification (germline): Uncertain significance (1 of 4 stars; one submission).

Submission:

CeGaT Center for Human Genetics Tuebingen
Classification: Uncertain significance. Last evaluated: 2023-05-01. Review status: criteria provided, single submitter. Criteria: CeGaT Center For Human Genetics Tuebingen Variant Classification Criteria Version 2. Collection method: clinical testing. Allele origin: germline. Affected: yes. Observed: 1 variant allele.
Comment: CUL3: PM2, PP2

NM_003590.5(CUL3):c.1552G>A (p.Ala518Thr)

Gene: CUL3 (cullin 3; minus strand). Cytogenetic location: 2q36.2.
Variant type: single nucleotide variant.
Coding change: c.1552G>A on transcript NM_003590.5 (MANE Select); coding-DNA position 1552, G replaced by A.
Protein change: p.Ala518Thr; replaces alanine 518 with threonine.
Molecular consequence: missense variant.
Genome position (GRCh38, 1-based): chr2:224,500,421, C>T on the plus strand (G>A on the coding strand, the complement: CUL3 is on the minus strand). VCF-style: chr2-224500421-C-T. GRCh37 (hg19) VCF-style: chr2-225365138-C-T.
Other names: c.1354G>A, p.Ala452Thr (NM_001257197.2); c.1570G>A, p.Ala524Thr (NM_001257198.2); short protein forms A452T, A518T, A524T.
Identifiers: ClinVar variation 2571123 (VCV002571123.27), dbSNP rs2106189091, ClinGen allele CA350826009.